The following is an entry in ClinVar:

ClinVar aggregate classification (germline): Uncertain significance (1 of 4 stars; one submission).

Conditions:
Bethlem myopathy 1A. Also called: MYOPATHY, BENIGN CONGENITAL, WITH CONTRACTURES; Bethlem myopathy 1; Bethlem Muscular Dystrophy. Identifiers: Orphanet 610, MedGen CN029274, MONDO:0024530, OMIM 158810.

Submission:

Labcorp Genetics (formerly Invitae), Labcorp
Classification: Uncertain significance for Bethlem myopathy 1A. Last evaluated: 2025-02-01. Review status: criteria provided, single submitter. Criteria: Invitae Variant Classification Sherloc (09022015). Collection method: clinical testing. Allele origin: germline.
Comment: This variant, c.8757_8771del, results in the deletion of 5 amino acid(s) of the COL6A3 protein (p.Ala2920_Ala2924del), but otherwise preserves the integrity of the reading frame. This variant is present in population databases (rs779390247, gnomAD 0.02%). This variant has not been reported in the literature in individuals affected with COL6A3-related conditions. Experimental studies and prediction algorithms are not available or were not evaluated, and the functional significance of this variant is currently unknown. In summary, the available evidence is currently insufficient to determine the role of this variant in disease. Therefore, it has been classified as a Variant of Uncertain Significance.

NM_004369.4(COL6A3):c.8757_8771del (p.2915AKPVA[1])

Gene: COL6A3 (collagen type VI alpha 3 chain; minus strand). Cytogenetic location: 2q37.3.
Variant type: Deletion.
Coding change: c.8757_8771del on transcript NM_004369.4 (MANE Select); coding-DNA positions 8757 to 8771, 15 bases deleted (TGCCAAGCCTGTGGC).
Protein change: p.2915AKPVA[1].
Genome position (GRCh38, 1-based): chr2:237,336,329-237,336,343, GCCACAGGCTTGGCA deleted on the plus strand (TGCCAAGCCTGTGGC on the coding strand, the reverse complement: COL6A3 is on the minus strand); deleting any 15 consecutive bases within chr2:237,336,329-237,336,351 gives the same sequence; the c. name uses the placement nearest the transcript's 3' end. VCF-style (leftmost placement, unchanged base first): chr2-237336328-GGCCACAGGCTTGGCA-G. GRCh37 (hg19) VCF-style: chr2-238244971-GGCCACAGGCTTGGCA-G.
Other names: c.6936_6950del, p.2308AKPVA[1] (NM_057166.5); c.8139_8153del, p.2709AKPVA[1] (NM_057167.4).
Identifiers: ClinVar variation 3708382 (VCV003708382.2).